The following is an entry in ClinVar:

NM_007294.4(BRCA1):c.1098T>C (p.Asp366=)

Gene: BRCA1 (BRCA1 DNA repair associated; minus strand). Cytogenetic location: 17q21.31.
Variant type: single nucleotide variant.
Coding change: c.1098T>C on transcript NM_007294.4 (MANE Select); coding-DNA position 1098, T replaced by C.
Protein change: p.Asp366=; no amino-acid change (aspartic acid 366 retained).
Molecular consequence: synonymous variant. On other transcripts: intron variant (137).
Genome position (GRCh38, 1-based): chr17:43,094,433, A>G on the plus strand (T>C on the coding strand, the complement: BRCA1 is on the minus strand). VCF-style: chr17-43094433-A-G. GRCh37 (hg19) VCF-style: chr17-41246450-A-G.
Other names: c.1095T>C, p.Asp365= (NM_001407634.1, NM_001407635.1, NM_001407636.1 and 22 more transcripts); c.1098T>C, p.Asp366= (NM_001407639.1, NM_001407640.1, NM_001407641.1 and 30 more transcripts); c.1089T>C, p.Asp363= (NM_001407646.1, NM_001407647.1); c.975T>C, p.Asp325= (NM_001407648.1, NM_001407664.1, NM_001407665.1 and 19 more transcripts); c.972T>C, p.Asp324= (NM_001407649.1, NM_001407670.1, NM_001407671.1 and 11 more transcripts); c.1020T>C, p.Asp340= (NM_001407653.1, NM_001407654.1, NM_001407655.1 and 4 more transcripts); c.1017T>C, p.Asp339= (NM_001407659.1, NM_001407660.1, NM_001407661.1 and 1 more transcripts); c.957T>C, p.Asp319= (NM_001407692.1, NM_001407694.1, NM_001407695.1 and 29 more transcripts); and 40 more.
Identifiers: ClinVar variation 229697 (VCV000229697.17), dbSNP rs876658148, ClinGen allele CA10580681.
Genomic context (GRCh38, chr17:43,094,433, plus strand): 5'-AAACCACTCATTAACTTTCTGAATGCTGCTATTTAGTGTTATCCAAGGAACATCTTCAGT[A>G]TCTCTAGGATTCTCTGAGCATGGCAGTTTCTGCTTATTCCATTCTTTTCTCTCACACAGG-3'
Protein context (NP_009225.1, residues 356-376): QKLPCSENPR[Asp366=]TEDVPWITLN

ClinVar aggregate classification (germline): Likely benign. Review status: reviewed by expert panel (3 of 4 stars). 4 submissions from 4 submitters: Likely benign (1). 3 of the submissions do not count toward it. Last evaluated 2017-06-29.

Conditions:
Hereditary cancer-predisposing syndrome. Also called: Tumor predisposition; Hereditary Cancer Syndrome; Neoplastic Syndromes, Hereditary; Hereditary neoplastic syndrome. Identifiers: Orphanet 140162, MedGen C0027672, MeSH D009386, MONDO:0015356.
Hereditary breast ovarian cancer syndrome. Also called: Breast and ovarian cancer; Hereditary breast and ovarian cancer; Hereditary breast and ovarian cancer syndrome; Hereditary breast and/or ovarian cancer syndrome; BRCA1- and BRCA2-Associated Hereditary Breast and Ovarian Cancer; Hereditary breast and ovarian cancer syndrome (HBOC). Identifiers: Orphanet 145, MedGen C0677776, MeSH D061325, MONDO:0003582. Disease mechanism: loss of function.
Breast-ovarian cancer, familial, susceptibility to, 1 (BROVCA1). Also called: BRCA1 Hereditary Breast and Ovarian Cancer; OVARIAN CANCER, SUSCEPTIBILITY TO. Identifiers: Orphanet 145, MedGen C2676676, MONDO:0011450, OMIM 604370. Disease mechanism: loss of function.

Submissions (4):

Evidence-based Network for the Interpretation of Germline Mutant Alleles (ENIGMA)
Classification: Likely benign for Breast-ovarian cancer, familial, susceptibility to, 1. Last evaluated: 2017-06-29. Review status: reviewed by expert panel. Criteria: ENIGMA BRCA1/2 Classification Criteria (2017-06-29). Collection method: curation. Allele origin: germline.
Comment: Synonymous substitution variant, with low bioinformatic likelihood to result in a splicing aberration (Splicing prior probability 0.02).

Color Diagnostics, LLC DBA Color Health
Classification: Likely benign for Hereditary cancer-predisposing syndrome. Last evaluated: 2025-07-28. Review status: criteria provided, single submitter. Criteria: ACMG Guidelines, 2015. Collection method: clinical testing. Allele origin: germline. Not counted in ClinVar's aggregate classification.

Labcorp Genetics (formerly Invitae), Labcorp
Classification: Likely benign for Hereditary breast ovarian cancer syndrome. Last evaluated: 2023-12-11. Review status: criteria provided, single submitter. Criteria: Invitae Variant Classification Sherloc (09022015). Collection method: clinical testing. Allele origin: germline. Not counted in ClinVar's aggregate classification.

Ambry Genetics
Classification: Likely benign for Hereditary cancer-predisposing syndrome. Last evaluated: 2014-11-25. Review status: criteria provided, single submitter. Criteria: Ambry Variant Classification Scheme 2023. Collection method: clinical testing. Allele origin: germline. Not counted in ClinVar's aggregate classification.